The following is an entry in ClinVar:

NM_000368.5(TSC1):c.401T>C (p.Leu134Ser)

Gene: TSC1 (TSC complex subunit 1; minus strand). Cytogenetic location: 9q34.13.
Variant type: single nucleotide variant.
Coding change: c.401T>C on transcript NM_000368.5 (MANE Select); coding-DNA position 401, T replaced by C.
Protein change: p.Leu134Ser; replaces leucine 134 with serine.
Molecular consequence: missense variant. On other transcripts: 5 prime UTR variant (5), non-coding transcript variant (5).
Genome position (GRCh38, 1-based): chr9:132,923,455, A>G on the plus strand (T>C on the coding strand, the complement: TSC1 is on the minus strand). VCF-style: chr9-132923455-A-G. GRCh37 (hg19) VCF-style: chr9-135798842-A-G.
Other names: c.401T>C, p.Leu134Ser (NM_001406605.1, NM_001406606.1, NM_001406607.1 and 16 more transcripts); c.248T>C, p.Leu83Ser (NM_001406610.1, NM_001406611.1, NM_001406612.1 and 2 more transcripts); c.38T>C, p.Leu13Ser (NM_001406614.1, NM_001362177.2, NM_001406615.1 and 10 more transcripts); c.-477T>C (NM_001406626.1, NM_001406627.1, NM_001406628.1); c.-619T>C (NM_001406629.1); c.-693T>C (NM_001406630.1); short protein forms L13S, L83S, L134S.
Identifiers: ClinVar variation 5031244 (VCV005031244.1).

ClinVar aggregate classification (germline): Uncertain significance (1 of 4 stars; one submission).

Conditions:
Hereditary cancer-predisposing syndrome. Also called: Neoplastic Syndromes, Hereditary; Tumor predisposition; Hereditary neoplastic syndrome; Hereditary Cancer Syndrome. Identifiers: Orphanet 140162, MedGen C0027672, MeSH D009386, MONDO:0015356.

Submission:

Ambry Genetics
Classification: Uncertain significance for Hereditary cancer-predisposing syndrome. Last evaluated: 2026-07-27. Review status: criteria provided, single submitter. Criteria: Ambry Variant Classification Scheme 2023. Collection method: clinical testing. Allele origin: germline.
Comment: The p.L134S variant (also known as c.401T>C), located in coding exon 4 of the TSC1 gene, results from a T to C substitution at nucleotide position 401. The leucine at codon 134 is replaced by serine, an amino acid with dissimilar properties. This amino acid position is conserved. In addition, this alteration is predicted to be deleterious by in silico analysis. Based on the available evidence, the clinical significance of this variant remains unclear.